The following is an entry in ClinVar:

ClinVar aggregate classification (germline): Likely benign (1 of 4 stars; one submission).

gnomAD v4.1: 73 of 1,612,216 alleles (0.0045%); highest among the groups gnomAD compares: Admixed American, 0.015%; no homozygotes.

Submission:

CeGaT Center for Human Genetics Tuebingen
Classification: Likely benign. Last evaluated: 2025-11-01. Review status: criteria provided, single submitter. Criteria: CeGaT Center For Human Genetics Tuebingen Variant Classification Criteria Version 2. Collection method: clinical testing. Allele origin: germline. Affected: yes. Observed: 1 variant allele.
Comment: LTBP1: BP4, BP7

NM_206943.4(LTBP1):c.2019G>A (p.Ser673=)

Gene: LTBP1 (latent transforming growth factor beta binding protein 1; plus strand). Cytogenetic location: 2p22.3.
Variant type: single nucleotide variant.
Coding change: c.2019G>A on transcript NM_206943.4 (MANE Select); coding-DNA position 2019, G replaced by A.
Protein change: p.Ser673=; no amino-acid change (serine 673 retained).
Molecular consequence: synonymous variant.
Genome position (GRCh38, 1-based): chr2:33,252,696, G>A. VCF-style: chr2-33252696-G-A. GRCh37 (hg19) VCF-style: chr2-33477763-G-A.
Other names: c.1041G>A, p.Ser347= (NM_000627.4, NM_001166264.2, NM_001166265.2 and 21 more transcripts); c.2019G>A, p.Ser673= (NM_001394905.1); c.798G>A, p.Ser266= (NM_001394916.1).
Identifiers: ClinVar variation 4534732 (VCV004534732.6).